The following is an entry in ClinVar:

ClinVar aggregate classification (germline): Pathogenic (1 of 4 stars; one submission).

Conditions:
Joubert syndrome and related disorders. Identifiers: Orphanet 140874, MedGen C5679612, MONDO:0015369.

Submission:

Myriad Genetics, Inc.
Classification: Pathogenic for Joubert syndrome and related disorders. Last evaluated: 2026-05-27. Review status: criteria provided, single submitter. Criteria: Myriad Autosomal Dominant, Autosomal Recessive and X-Linked Classification Criteria (2023). Collection method: clinical testing. Allele origin: unknown.
Comment: NM_001080522.2(CC2D2A):c.3887_3888insT(K1296Nfs*20) is expected to be pathogenic in the context of CC2D2A-related disorders. This variant is predicted to lead to an abnormal or absent protein product due to the creation of a premature termination codon in CC2D2A, a gene where loss-of-function variants are known to be pathogenic. Please note: this variant was assessed in the context of healthy population screening.

NM_001378615.1(CC2D2A):c.3887_3888insT (p.Lys1296fs)

Genes: CC2D2A (coiled-coil and C2 domain containing 2A; plus strand), FBXL5 (F-box and leucine rich repeat protein 5; minus strand). Cytogenetic location: 4p15.32.
Variant type: Insertion.
Coding change: c.3887_3888insT on transcript NM_001378615.1 (MANE Select); coding-DNA positions 3887 to 3888, T inserted.
Protein change: p.Lys1296fs; shifts the reading frame from lysine 1296.
Molecular consequence: frameshift variant.
Genome position: GRCh38 VCF-style: chr4-15580083-A-AT. GRCh37 (hg19) VCF-style: chr4-15581706-A-AT.
Other names: c.3887_3888insT, p.Lys1296fs (NM_001080522.2); c.3740_3741insT, p.Lys1247fs (NM_001378617.1); short protein forms K1247fs, K1296fs.
Identifiers: ClinVar variation 5015963 (VCV005015963.1).